The following is an entry in ClinVar:

NM_000286.3(PEX12):c.586G>T (p.Ala196Ser)

Gene: PEX12 (peroxisomal biogenesis factor 12; minus strand). Cytogenetic location: 17q12.
Variant type: single nucleotide variant.
Coding change: c.586G>T on transcript NM_000286.3 (MANE Select); coding-DNA position 586, G replaced by T.
Protein change: p.Ala196Ser; replaces alanine 196 with serine.
Molecular consequence: missense variant.
Genome position (GRCh38, 1-based): chr17:35,577,132, C>A on the plus strand (G>T on the coding strand, the complement: PEX12 is on the minus strand). VCF-style: chr17-35577132-C-A. GRCh37 (hg19) VCF-style: chr17-33904151-C-A.
Other names: short protein forms A196S.
Identifiers: ClinVar variation 4994165 (VCV004994165.1).

ClinVar aggregate classification (germline): Uncertain significance (1 of 4 stars; one submission).

Conditions:
PEX12-related disorder. Also called: PEX12-related condition; PEX12-related disorders.

gnomAD v4.1: 1 of 1,614,142 alleles (0.000062%); no homozygotes.

Submission:

PreventionGenetics, part of Exact Sciences
Classification: Uncertain significance for PEX12-related condition. Last evaluated: 2025-12-30. Review status: criteria provided, single submitter. Criteria: ACMG Guidelines, 2015. Collection method: clinical testing. Allele origin: germline.
Comment: The PEX12 c.586G>T variant is predicted to result in the amino acid substitution p.Ala196Ser. To our knowledge, this variant has not been reported in the literature or in a large population database (gnomAD), indicating this variant is rare. At this time, the clinical significance of this variant is uncertain due to the absence of conclusive functional and genetic evidence.